The following is an entry in ClinVar:

NM_175914.5(HNF4A):c.582+1G>C

Gene: HNF4A (hepatocyte nuclear factor 4 alpha; plus strand). Cytogenetic location: 20q13.12.
Variant type: single nucleotide variant.
Coding change: c.582+1G>C on transcript NM_175914.5 (MANE Select); the canonical splice donor site of the intron after coding-DNA position 582, G replaced by C.
Molecular consequence: splice donor variant.
Genome position (GRCh38, 1-based): chr20:44,414,663, G>C. VCF-style: chr20-44414663-G-C. GRCh37 (hg19) VCF-style: chr20-43043303-G-C.
Other names: NM_175914.5:c.582+1G>C; c.573+1G>C (NM_001287182.2, NM_001287183.2, NM_001287184.2); c.582+1G>C (NM_001030003.3, NM_001030004.3); c.627+1G>C (NM_001258355.2); c.648+1G>C (NM_178849.3, NM_000457.6, NM_178850.3).
Identifiers: ClinVar variation 2502288 (VCV002502288.1), dbSNP rs1392795567, ClinGen allele CA409106289.
Genomic context (GRCh38, chr20:44,414,663, plus strand): 5'-GTTCTCGTTGAGTGGGCCAAGTACATCCCAGCTTTCTGCGAGCTCCCCCTGGACGACCAG[G>C]TGAGGATGGGCGTGGATGGTGGGCAGTAGTGGGCAGTGGGCGGGGCAGCCAGGGGGCTGC-3'

ClinVar aggregate classification (germline): Likely pathogenic (3 of 4 stars; one submission).

Conditions:
Monogenic diabetes. Identifiers: Orphanet 183625, MedGen C3888631, MONDO:0015967.

Submission:

ClinGen Monogenic Diabetes Variant Curation Expert Panel
Classification: Likely pathogenic for Monogenic diabetes. Last evaluated: 2023-03-26. Review status: reviewed by expert panel. Criteria: MDEP HNF4A Specificiations 1.0.0. Collection method: curation. Allele origin: germline. Inheritance: Autosomal dominant inheritance.
Comment: The c.582+1G>C variant in the hepatocyte nuclear factor-4 alpha gene, HNF4A, is predicted to remove a canonical splice donor site in intron 5 of transcript NM_175914.5. This variant is predicted to cause an in-frame deletion of the biologically-relevant exon 5 of 10, removing more than 10% of the protein (PVS1_Strong; PMID: 23348805). Additionally, this variant is absent from gnomAD v2.1.1 (PM2_Supporting). In summary, c.582+1G>C, meets the criteria to be classified as likely pathogenic for monogenic diabetes. ACMG/AMP criteria applied, as specified by the ClinGen MDEP (specification version 1.0.0, approved 11/16/2022): PVS1_Strong, PM2_Supporting, PP4.